The following is an entry in ClinVar:

NM_032578.4(MYPN):c.2470C>T (p.Gln824Ter)

Gene: MYPN (myopalladin; plus strand). Cytogenetic location: 10q21.3.
Variant type: single nucleotide variant.
Coding change: c.2470C>T on transcript NM_032578.4 (MANE Select); coding-DNA position 2470, C replaced by T.
Protein change: p.Gln824Ter; replaces glutamine 824 with a stop codon.
Molecular consequence: nonsense. On other transcripts: non-coding transcript variant (2).
Genome position (GRCh38, 1-based): chr10:68,174,562, C>T. VCF-style: chr10-68174562-C-T. GRCh37 (hg19) VCF-style: chr10-69934319-C-T.
Other names: c.2470C>T, p.Gln824Ter (NM_001256267.2); c.1588C>T, p.Gln530Ter (NM_001256268.2); short protein forms Q530*, Q824*.
Identifiers: ClinVar variation 3626813 (VCV003626813.2).

ClinVar aggregate classification (germline): Pathogenic (1 of 4 stars; one submission).

Conditions:
Dilated cardiomyopathy 1KK (CMD1KK). Identifiers: Orphanet 154, Orphanet 75249, MedGen C3714995, MONDO:0014100, OMIM 615248.

gnomAD v4.1: 3 of 1,614,054 alleles (0.00019%); highest among the groups gnomAD compares: African/African-American, 0.0013%; no homozygotes.

Submission:

Labcorp Genetics (formerly Invitae), Labcorp
Classification: Pathogenic for Dilated cardiomyopathy 1KK. Last evaluated: 2024-10-13. Review status: criteria provided, single submitter. Criteria: Invitae Variant Classification Sherloc (09022015). Collection method: clinical testing. Allele origin: germline.
Comment: This sequence change creates a premature translational stop signal (p.Gln824*) in the MYPN gene. It is expected to result in an absent or disrupted protein product. Loss-of-function variants in MYPN are known to be pathogenic (PMID: 28017374). This variant is not present in population databases (gnomAD no frequency). This variant has not been reported in the literature in individuals affected with MYPN-related conditions. Algorithms developed to predict the effect of sequence changes on RNA splicing suggest that this variant may disrupt the consensus splice site. For these reasons, this variant has been classified as Pathogenic.

Literature cited by the submitters: PubMed 28017374.